The following is an entry in ClinVar:

ClinVar aggregate classification (germline): Uncertain significance (1 of 4 stars; one submission).

gnomAD v4.1: 3 of 1,613,946 alleles (0.00019%); highest among the groups gnomAD compares: Non-Finnish European, 0.00025%; no homozygotes.

Submission:

GeneDx
Classification: Uncertain significance. Last evaluated: 2024-07-23. Review status: criteria provided, single submitter. Criteria: GeneDx Variant Classification Process June 2021. Collection method: clinical testing. Allele origin: germline. Affected: yes.
Comment: Not observed at significant frequency in large population cohorts (gnomAD); In silico analysis supports that this missense variant has a deleterious effect on protein structure/function; Has not been previously published as pathogenic or benign to our knowledge

NM_018489.3(ASH1L):c.7261C>G (p.Arg2421Gly)

Gene: ASH1L (ASH1 like histone lysine methyltransferase; minus strand). Cytogenetic location: 1q22.
Variant type: single nucleotide variant.
Coding change: c.7261C>G on transcript NM_018489.3 (MANE Select); coding-DNA position 7261, C replaced by G.
Protein change: p.Arg2421Gly; replaces arginine 2421 with glycine.
Molecular consequence: missense variant.
Genome position (GRCh38, 1-based): chr1:155,352,811, G>C on the plus strand (C>G on the coding strand, the complement: ASH1L is on the minus strand). VCF-style: chr1-155352811-G-C. GRCh37 (hg19) VCF-style: chr1-155322602-G-C.
Other names: c.7276C>G, p.Arg2426Gly (NM_001366177.2); short protein forms R2421G, R2426G.
Identifiers: ClinVar variation 3600554 (VCV003600554.1).
Genomic context (GRCh38, chr1:155,352,811, plus strand): 5'-CTAGGCGGGCTGCCCGAGCCACTTCAATATTTTCCTCTGCAGCTGCCAACCGTCTTGTTC[G>C]AACAGATCGAGCTGTCTGCAGGGCAGAGAACTGGGTCATGAAGACATCTGGAAAAATAAA-3'
Protein context (NP_060959.2, residues 2411-2431): FSALQTARSV[Arg2421Gly]TRRLAAAEEN